The following is an entry in ClinVar:

ClinVar aggregate classification (germline): Uncertain significance (1 of 4 stars; one submission).

Conditions:
Retinitis pigmentosa 12 (RP12). Also called: RP WITH OR WITHOUT PPRPE; RP WITH OR WITHOUT PRESERVED PARAARTERIOLE RETINAL PIGMENT EPITHELIUM; RETINITIS PIGMENTOSA WITH OR WITHOUT PARAARTERIOLAR PRESERVATION OF RETINAL PIGMENT EPITHELIUM. Identifiers: Orphanet 791, MedGen C1838647, MONDO:0010818, OMIM 600105.
Leber congenital amaurosis 8 (LCA8). Identifiers: Orphanet 65, MedGen C3151202, MONDO:0013453, OMIM 613835.

Allele frequency attached by ClinVar (database versions not stated): gnomAD exomes below 0.00001; gnomAD 0.00001; ExAC 0.00002; TOPMed 0.00002.
gnomAD v4.1: 6 of 1,614,084 alleles (0.00037%); highest among the groups gnomAD compares: East Asian, 0.011%; no homozygotes.

Submission:

Labcorp Genetics (formerly Invitae), Labcorp
Classification: Uncertain significance for Leber congenital amaurosis 8; Retinitis pigmentosa 12. Last evaluated: 2021-08-13. Review status: criteria provided, single submitter. Criteria: Invitae Variant Classification Sherloc (09022015). Collection method: clinical testing. Allele origin: germline.
Comment: This sequence change replaces valine with isoleucine at codon 666 of the CRB1 protein (p.Val666Ile). The valine residue is highly conserved and there is a small physicochemical difference between valine and isoleucine. This variant is present in population databases (rs746906894, ExAC 0.03%). This variant has not been reported in the literature in individuals affected with CRB1-related conditions. Algorithms developed to predict the effect of missense changes on protein structure and function output the following: SIFT: "Deleterious"; PolyPhen-2: "Benign"; Align-GVGD: "Class C25". The isoleucine amino acid residue is found in multiple mammalian species, which suggests that this missense change does not adversely affect protein function. In summary, the available evidence is currently insufficient to determine the role of this variant in disease. Therefore, it has been classified as a Variant of Uncertain Significance.

NM_201253.3(CRB1):c.1996G>A (p.Val666Ile)

Gene: CRB1 (crumbs cell polarity complex component 1; plus strand). Cytogenetic location: 1q31.3.
Variant type: single nucleotide variant.
Coding change: c.1996G>A on transcript NM_201253.3 (MANE Select); coding-DNA position 1996, G replaced by A.
Protein change: p.Val666Ile; replaces valine 666 with isoleucine.
Molecular consequence: missense variant. On other transcripts: non-coding transcript variant (2).
Genome position (GRCh38, 1-based): chr1:197,421,824, G>A. VCF-style: chr1-197421824-G-A. GRCh37 (hg19) VCF-style: chr1-197390954-G-A.
Other names: c.1660G>A, p.Val554Ile (NM_001193640.2); c.1789G>A, p.Val597Ile (NM_001257965.2); c.1996G>A, p.Val666Ile (NM_001257966.2); short protein forms V666I, V597I, V554I.
Identifiers: ClinVar variation 2160028 (VCV002160028.1), dbSNP rs746906894, ClinGen allele CA1312013.